The following is an entry in ClinVar:

NM_001903.5(CTNNA1):c.288T>A (p.Asp96Glu)

Gene: CTNNA1 (catenin alpha 1; plus strand). Cytogenetic location: 5q31.2.
Variant type: single nucleotide variant.
Coding change: c.288T>A on transcript NM_001903.5 (MANE Select); coding-DNA position 288, T replaced by A.
Protein change: p.Asp96Glu; replaces aspartic acid 96 with glutamic acid.
Molecular consequence: missense variant. On other transcripts: intron variant (2).
Genome position (GRCh38, 1-based): chr5:138,783,359, T>A. VCF-style: chr5-138783359-T-A. GRCh37 (hg19) VCF-style: chr5-138119048-T-A.
Other names: c.288T>A, p.Asp96Glu (NM_001290307.3, NM_001323982.2, NM_001323983.1 and 3 more transcripts); c.-6+87T>A (NM_001290310.3); c.-9+1330T>A (NM_001290309.3); short protein forms D96E.
Identifiers: ClinVar variation 1797285 (VCV001797285.2), dbSNP rs1755343359, ClinGen allele CA361477694.

ClinVar aggregate classification (germline): Uncertain significance (1 of 4 stars; one submission).

Conditions:
Hereditary cancer-predisposing syndrome. Also called: Tumor predisposition; Hereditary Cancer Syndrome; Neoplastic Syndromes, Hereditary; Hereditary neoplastic syndrome. Identifiers: Orphanet 140162, MedGen C0027672, MeSH D009386, MONDO:0015356.

Allele frequency attached by ClinVar (database versions not stated): TOPMed below 0.00001.

Submission:

Ambry Genetics
Classification: Uncertain significance for Hereditary cancer-predisposing syndrome. Last evaluated: 2021-10-21. Review status: criteria provided, single submitter. Criteria: Ambry Variant Classification Scheme 2023. Collection method: clinical testing. Allele origin: germline.
Comment: The p.D96E variant (also known as c.288T>A), located in coding exon 2 of the CTNNA1 gene, results from a T to A substitution at nucleotide position 288. The aspartic acid at codon 96 is replaced by glutamic acid, an amino acid with highly similar properties. This amino acid position is conserved. In addition, this alteration is predicted to be tolerated by in silico analysis. Since supporting evidence is limited at this time, the clinical significance of this alteration remains unclear.